The following is an entry in ClinVar:

NM_001042492.3(NF1):c.478A>G (p.Arg160Gly)

Gene: NF1 (neurofibromin 1; plus strand). Cytogenetic location: 17q11.2.
Variant type: single nucleotide variant.
Coding change: c.478A>G on transcript NM_001042492.3 (MANE Select); coding-DNA position 478, A replaced by G.
Protein change: p.Arg160Gly; replaces arginine 160 with glycine.
Molecular consequence: missense variant.
Genome position (GRCh38, 1-based): chr17:31,163,375, A>G. VCF-style: chr17-31163375-A-G. GRCh37 (hg19) VCF-style: chr17-29490393-A-G.
Other names: c.478A>G, p.Arg160Gly (NM_000267.4, NM_001128147.3); short protein forms R160G.
Identifiers: ClinVar variation 450971 (VCV000450971.3), dbSNP rs1555606128, ClinGen allele CA398982208.

ClinVar aggregate classification (germline): Uncertain significance. Review status: criteria provided, multiple submitters, no conflicts (2 of 4 stars). 2 submissions from 2 submitters: Uncertain significance (2). Last evaluated 2026-01-08.

Conditions:
Neurofibromatosis, type 1 (NF1). Also called: VON RECKLINGHAUSEN DISEASE; NEUROFIBROMATOSIS, TYPE I, SOMATIC; Neurofibromatosis, type I; Peripheral type neurofibromatosis. Identifiers: Orphanet 636, MedGen C0027831, MONDO:0018975, OMIM 162200. Disease mechanism: loss of function.

Allele frequency attached by ClinVar (database versions not stated): gnomAD exomes below 0.00001.
gnomAD v4.1: 2 of 1,613,986 alleles (0.00012%); highest among the groups gnomAD compares: Non-Finnish European, 0.00017%; no homozygotes.

Submissions (2):

Labcorp Genetics (formerly Invitae), Labcorp
Classification: Uncertain significance for Neurofibromatosis, type 1. Last evaluated: 2026-01-08. Review status: criteria provided, single submitter. Criteria: Invitae Variant Classification Sherloc (09022015). Collection method: clinical testing. Allele origin: germline.
Comment: This sequence change replaces arginine, which is basic and polar, with glycine, which is neutral and non-polar, at codon 160 of the NF1 protein (p.Arg160Gly). This variant is not present in population databases (gnomAD no frequency). This variant has not been reported in the literature in individuals affected with NF1-related conditions. ClinVar contains an entry for this variant (Variation ID: 450971). An algorithm developed to predict the effect of missense changes on protein structure and function (PolyPhen-2) suggests that this variant is likely to be tolerated. In summary, the available evidence is currently insufficient to determine the role of this variant in disease. Therefore, it has been classified as a Variant of Uncertain Significance.

GeneDx
Classification: Uncertain significance. Last evaluated: 2017-07-27. Review status: criteria provided, single submitter. Criteria: GeneDx Variant Classification (06012015). Collection method: clinical testing. Allele origin: germline. Affected: yes.
Comment: The R160G variant has not been published as a pathogenic variant, nor has it been reported as a benign variant to our knowledge. The variant is not observed in large population cohorts (Lek et al., 2016; 1000 Genomes Consortium et al., 2015; Exome Variant Server). R160G is a non-conservative amino acid substitution, which is likely to impact secondary protein structure as these residues differ in polarity, charge, size and/or other properties. This substitution occurs at a position that is conserved across species, and in silico analysis predicts this variant is probably damaging to the protein structure/function. In summary, based on the currently available information, it is unclear whether this variant is a pathogenic variant or a rare benign variant.